The following is an entry in ClinVar:

NM_000219.6(KCNE1):c.-50-129T>C

Gene: KCNE1 (potassium voltage-gated channel subfamily E regulatory subunit 1; minus strand). Cytogenetic location: 21q22.12.
Variant type: single nucleotide variant.
Coding change: c.-50-129T>C on transcript NM_000219.6 (MANE Select); 129 bases into the intron before 50 bases upstream of the start codon, T replaced by C.
Molecular consequence: intron variant.
Genome position (GRCh38, 1-based): chr21:34,449,813, A>G on the plus strand (T>C on the coding strand, the complement: KCNE1 is on the minus strand). VCF-style: chr21-34449813-A-G. GRCh37 (hg19) VCF-style: chr21-35822111-A-G.
Other names: c.-50-129T>C (NM_001270403.2, NM_001270404.3, NM_001270402.3 and 4 more transcripts).
Identifiers: ClinVar variation 671896 (VCV000671896.2), dbSNP rs2236609, ClinGen allele CA320425715.
Genomic context (GRCh38, chr21:34,449,813, plus strand): 5'-ACGTATACAATTTTAAAATCTCAGGTGAGAGGGGTGAGCTGACACTCCACAGGCCATGGC[A>G]TGTGCCATCTTGGGTCTGTGCAATGCCTTCTCTTGATAGATGAATGGATACATTGATTCC-3'

ClinVar aggregate classification (germline): Benign. Review status: criteria provided, multiple submitters, no conflicts (2 of 4 stars). 2 submissions from 2 submitters: Benign (2). Last evaluated 2018-06-14.

Allele frequency attached by ClinVar (database versions not stated): gnomAD 0.63723; 1000 Genomes Project 0.65915.

Submissions (2):

GeneDx
Classification: Benign. Last evaluated: 2018-06-14. Review status: criteria provided, single submitter. Criteria: GeneDx Variant Classification (06012015). Collection method: clinical testing. Allele origin: germline. Affected: yes.
Comment: This variant is considered likely benign or benign based on one or more of the following criteria: it is a conservative change, it occurs at a poorly conserved position in the protein, it is predicted to be benign by multiple in silico algorithms, and/or has population frequency not consistent with disease.

Breakthrough Genomics
Classification: Benign. Review status: criteria provided, single submitter. Criteria: ACMG Guidelines, 2015. Collection method: not provided. Allele origin: germline. Inheritance: Autosomal recessive inheritance. Affected: yes.